The following is an entry in ClinVar:

ClinVar aggregate classification (germline): Uncertain significance. Review status: criteria provided, multiple submitters, no conflicts (2 of 4 stars). 2 submissions from 2 submitters: Uncertain significance (2). Last evaluated 2022-10-17.

Conditions:
Joubert syndrome. Also called: JOUBERT-BOLTSHAUSER SYNDROME; Familial aplasia of the vermis. Identifiers: Orphanet 475, MedGen C5979921, MONDO:0018772.
Meckel-Gruber syndrome. Also called: DYSENCEPHALIA SPLANCHNOCYSTICA; GRUBER SYNDROME; Dysencephalia splachnocystica. Identifiers: Orphanet 564, MedGen C0265215, MONDO:0018921.

Allele frequency attached by ClinVar (database versions not stated): gnomAD 0.00003; gnomAD exomes 0.00003 and 0.00004; ExAC 0.00004.

Submissions (2):

Labcorp Genetics (formerly Invitae), Labcorp
Classification: Uncertain significance for Joubert syndrome; Meckel-Gruber syndrome. Last evaluated: 2022-10-17. Review status: criteria provided, single submitter. Criteria: Invitae Variant Classification Sherloc (09022015). Collection method: clinical testing. Allele origin: germline.
Comment: This sequence change replaces asparagine, which is neutral and polar, with serine, which is neutral and polar, at codon 714 of the CC2D2A protein (p.Asn714Ser). This variant is present in population databases (rs771224275, gnomAD 0.007%). This variant has not been reported in the literature in individuals affected with CC2D2A-related conditions. ClinVar contains an entry for this variant (Variation ID: 1360002). Advanced modeling of protein sequence and biophysical properties (such as structural, functional, and spatial information, amino acid conservation, physicochemical variation, residue mobility, and thermodynamic stability) performed at Invitae indicates that this missense variant is not expected to disrupt CC2D2A protein function. In summary, the available evidence is currently insufficient to determine the role of this variant in disease. Therefore, it has been classified as a Variant of Uncertain Significance.

Blueprint Genetics
Classification: Uncertain significance. Last evaluated: 2021-09-21. Review status: criteria provided, single submitter. Criteria: ACMG Guidelines, 2015. Collection method: clinical testing. Allele origin: germline.

NM_001378615.1(CC2D2A):c.2141A>G (p.Asn714Ser)

Genes: CC2D2A (coiled-coil and C2 domain containing 2A; plus strand), FBXL5 (F-box and leucine rich repeat protein 5; minus strand). Cytogenetic location: 4p15.32.
Variant type: single nucleotide variant.
Coding change: c.2141A>G on transcript NM_001378615.1 (MANE Select); coding-DNA position 2141, A replaced by G.
Protein change: p.Asn714Ser; replaces asparagine 714 with serine.
Molecular consequence: missense variant.
Genome position (GRCh38, 1-based): chr4:15,540,974, A>G. VCF-style: chr4-15540974-A-G. GRCh37 (hg19) VCF-style: chr4-15542597-A-G.
Other names: c.2141A>G, p.Asn714Ser (NM_001080522.2); c.1994A>G, p.Asn665Ser (NM_001378617.1); short protein forms N665S, N714S.
Identifiers: ClinVar variation 1360002 (VCV001360002.4), dbSNP rs771224275, ClinGen allele CA2863852.